The following is an entry in ClinVar:

ClinVar aggregate classification (germline): Benign/Likely benign. Review status: criteria provided, multiple submitters, no conflicts (2 of 4 stars). 3 submissions from 3 submitters: Benign (1); Likely benign (2). Last evaluated 2025-03-20.

Conditions:
Hereditary cancer-predisposing syndrome. Also called: Tumor predisposition; Neoplastic Syndromes, Hereditary; Hereditary Cancer Syndrome; Hereditary neoplastic syndrome. Identifiers: Orphanet 140162, MedGen C0027672, MeSH D009386, MONDO:0015356.
Hereditary nonpolyposis colorectal neoplasms. Identifiers: MedGen C0009405, MeSH D003123.
Lynch syndrome 4 (LYNCH4). Also called: Colorectal cancer, hereditary nonpolyposis, type 4; Hereditary non-polyposis colorectal cancer, type 4. Identifiers: Orphanet 144, MedGen C1838333, MONDO:0013699, OMIM 614337. Disease mechanism: loss of function.

Submissions (3):

Labcorp Genetics (formerly Invitae), Labcorp
Classification: Likely benign for Hereditary nonpolyposis colorectal neoplasms. Last evaluated: 2025-03-20. Review status: criteria provided, single submitter. Criteria: Invitae Variant Classification Sherloc (09022015). Collection method: clinical testing. Allele origin: germline.

Myriad Genetics, Inc.
Classification: Benign for Lynch syndrome 4. Last evaluated: 2025-02-03. Review status: criteria provided, single submitter. Criteria: Myriad Autosomal Dominant, Autosomal Recessive and X-Linked Classification Criteria (2023). Collection method: clinical testing. Allele origin: unknown.
Comment: This variant is considered benign. This variant is a silent/synonymous amino acid change and it is not expected to impact splicing.

Ambry Genetics
Classification: Likely benign for Hereditary cancer-predisposing syndrome. Last evaluated: 2023-01-27. Review status: criteria provided, single submitter. Criteria: Ambry Variant Classification Scheme 2023. Collection method: clinical testing. Allele origin: germline.

NM_000535.7(PMS2):c.2259T>C (p.Phe753=)

Gene: PMS2 (PMS1 homolog 2, mismatch repair system component; minus strand). Cytogenetic location: 7p22.1.
Variant type: single nucleotide variant.
Coding change: c.2259T>C on transcript NM_000535.7 (MANE Select); coding-DNA position 2259, T replaced by C.
Protein change: p.Phe753=; no amino-acid change (phenylalanine 753 retained).
Molecular consequence: synonymous variant. On other transcripts: non-coding transcript variant (1).
Genome position (GRCh38, 1-based): chr7:5,978,612, A>G on the plus strand (T>C on the coding strand, the complement: PMS2 is on the minus strand). VCF-style: chr7-5978612-A-G. GRCh37 (hg19) VCF-style: chr7-6018243-A-G.
Other names: c.2259T>C (NM_000535.5); c.1854T>C, p.Phe618= (NM_001322003.2, NM_001322004.2, NM_001322005.2 and 1 more transcripts); c.2103T>C, p.Phe701= (NM_001322006.2); c.1941T>C, p.Phe647= (NM_001322007.2, NM_001322008.2); c.1698T>C, p.Phe566= (NM_001322010.2); c.1326T>C, p.Phe442= (NM_001322011.2, NM_001322012.2); c.1686T>C, p.Phe562= (NM_001322013.2); c.2259T>C, p.Phe753= (NM_001322014.2); and 1 more.
Identifiers: ClinVar variation 1160535 (VCV001160535.11), dbSNP rs2128682198, ClinGen allele CA453642599.